The following is an entry in ClinVar:

ClinVar aggregate classification (germline): Uncertain significance (1 of 4 stars; one submission).

gnomAD v4.1: 2 of 1,613,932 alleles (0.00012%); highest among the groups gnomAD compares: South Asian, 0.0011%; no homozygotes.

Submission:

GeneDx
Classification: Uncertain significance. Last evaluated: 2025-08-21. Review status: criteria provided, single submitter. Criteria: GeneDx Variant Classification Process June 2021. Collection method: clinical testing. Allele origin: germline. Affected: yes.
Comment: Not observed at significant frequency in large population cohorts (gnomAD); In silico analysis supports that this missense variant has a deleterious effect on protein structure/function; Has not been previously published as pathogenic or benign to our knowledge

NM_001080517.3(SETD5):c.152A>G (p.His51Arg)

Gene: SETD5 (SET domain containing 5; plus strand). Cytogenetic location: 3p25.3.
Variant type: single nucleotide variant.
Coding change: c.152A>G on transcript NM_001080517.3 (MANE Select); coding-DNA position 152, A replaced by G.
Protein change: p.His51Arg; replaces histidine 51 with arginine.
Molecular consequence: missense variant. On other transcripts: 5 prime UTR variant (2).
Genome position (GRCh38, 1-based): chr3:9,433,925, A>G. VCF-style: chr3-9433925-A-G. GRCh37 (hg19) VCF-style: chr3-9475609-A-G.
Other names: c.-182A>G (NM_001292043.2); c.-223A>G (NM_001349451.2); short protein forms H51R.
Identifiers: ClinVar variation 3373609 (VCV003373609.2).
Genomic context (GRCh38, chr3:9,433,925, plus strand): 5'-GTCCAGCAGTTAATGAGAAGAGCGTGTATTCCACTCATAATTATGGGACCACTCAGAGGC[A>G]TGGGTGTCGAGGACTGCCTTATGCTGTGAGTATGCATTTGTTTCTCTCCAGAACAGTGAT-3'
Protein context (NP_001073986.1, residues 41-61): STHNYGTTQR[His51Arg]GCRGLPYATI